The following is an entry in ClinVar:

ClinVar aggregate classification (germline): Uncertain significance (1 of 4 stars; one submission).

Submission:

Labcorp Genetics (formerly Invitae), Labcorp
Classification: Uncertain significance. Last evaluated: 2023-10-22. Review status: criteria provided, single submitter. Criteria: Invitae Variant Classification Sherloc (09022015). Collection method: clinical testing. Allele origin: germline.
Comment: This sequence change replaces threonine, which is neutral and polar, with isoleucine, which is neutral and non-polar, at codon 643 of the VCAN protein (p.Thr643Ile). This variant is not present in population databases (gnomAD no frequency). This variant has not been reported in the literature in individuals affected with VCAN-related conditions. An algorithm developed to predict the effect of missense changes on protein structure and function (PolyPhen-2) suggests that this variant is likely to be disruptive. In summary, the available evidence is currently insufficient to determine the role of this variant in disease. Therefore, it has been classified as a Variant of Uncertain Significance.

NM_004385.5(VCAN):c.1928C>T (p.Thr643Ile)

Gene: VCAN (versican; plus strand). Cytogenetic location: 5q14.3.
Variant type: single nucleotide variant.
Coding change: c.1928C>T on transcript NM_004385.5 (MANE Select); coding-DNA position 1928, C replaced by T.
Protein change: p.Thr643Ile; replaces threonine 643 with isoleucine.
Molecular consequence: missense variant. On other transcripts: intron variant (2).
Genome position (GRCh38, 1-based): chr5:83,520,234, C>T. VCF-style: chr5-83520234-C-T. GRCh37 (hg19) VCF-style: chr5-82816053-C-T.
Other names: c.1928C>T, p.Thr643Ile (NM_001164098.2); c.1042+7838C>T (NM_001164097.2, NM_001126336.3); short protein forms T643I.
Identifiers: ClinVar variation 2769954 (VCV002769954.3), dbSNP rs2479050107, ClinGen allele CA360302174.